The following is an entry in ClinVar:

ClinVar aggregate classification (germline): Uncertain significance (1 of 4 stars; one submission).

Conditions:
MPI-congenital disorder of glycosylation. Also called: MPI-CDG; CONGENITAL DISORDER OF GLYCOSYLATION, TYPE Ib; PROTEIN-LOSING ENTEROPATHY-HEPATIC FIBROSIS SYNDROME; MANNOSEPHOSPHATE ISOMERASE DEFICIENCY; CDG Ib; MPI DEFICIENCY. Identifiers: Orphanet 79319, MedGen C1865145, MONDO:0011257, OMIM 602579.

Allele frequency attached by ClinVar (database versions not stated): gnomAD exomes 0.00001.
gnomAD v4.1: 3 of 1,614,110 alleles (0.00019%); highest among the groups gnomAD compares: Non-Finnish European, 0.00025%; no homozygotes.

Submission:

Baylor Genetics
Classification: Uncertain significance for MPI-congenital disorder of glycosylation. Last evaluated: 2018-07-13. Review status: criteria provided, single submitter. Criteria: ACMG Guidelines, 2015. Collection method: clinical testing. Allele origin: unknown. Affected: yes.
Comment: This variant was determined to be of uncertain significance according to ACMG Guidelines, 2015 [PMID:25741868].

NM_002435.3(MPI):c.95C>T (p.Ala32Val)

Gene: MPI (mannose phosphate isomerase; plus strand). Cytogenetic location: 15q24.1.
Variant type: single nucleotide variant.
Coding change: c.95C>T on transcript NM_002435.3 (MANE Select); coding-DNA position 95, C replaced by T.
Protein change: p.Ala32Val; replaces alanine 32 with valine.
Molecular consequence: missense variant. On other transcripts: intron variant (1).
Genome position (GRCh38, 1-based): chr15:74,890,605, C>T. VCF-style: chr15-74890605-C-T. GRCh37 (hg19) VCF-style: chr15-75182946-C-T.
Other names: c.95C>T, p.Ala32Val (NM_001289155.2, NM_001289157.2); c.35C>T, p.Ala12Val (NM_001330372.2); c.-7+516C>T (NM_001289156.2); short protein forms A32V, A12V.
Identifiers: ClinVar variation 1033919 (VCV001033919.1), dbSNP rs1596440893, ClinGen allele CA393169350.
Genomic context (GRCh38, chr15:74,890,605, plus strand): 5'-CGGTGCAGCAGTATGCCTGGGGGAAGATGGGTTCCAACAGCGAAGTGGCGCGGCTGTTGG[C>T]CAGCAGTGATCCACTGGCCCAGATCGCAGAGGACAAGCCTTATGCAGAGGTGAGCCCCGG-3'
Protein context (NP_002426.1, residues 22-42): GSNSEVARLL[Ala32Val]SSDPLAQIAE